The following is an entry in ClinVar:

NM_001242896.3(DEPDC5):c.3021G>T (p.Arg1007=)

Gene: DEPDC5 (DEP domain containing 5, GATOR1 subcomplex subunit; plus strand). Cytogenetic location: 22q12.3.
Variant type: single nucleotide variant.
Coding change: c.3021G>T on transcript NM_001242896.3 (MANE Select); coding-DNA position 3021, G replaced by T.
Protein change: p.Arg1007=; no amino-acid change (arginine 1007 retained).
Molecular consequence: synonymous variant. On other transcripts: non-coding transcript variant (5).
Genome position (GRCh38, 1-based): chr22:31,845,237, G>T. VCF-style: chr22-31845237-G-T. GRCh37 (hg19) VCF-style: chr22-32241223-G-T.
Other names: c.2994G>T, p.Arg998= (NM_001136029.4, NM_001369903.1, NM_014662.6); c.2787G>T, p.Arg929= (NM_001242897.2, NM_001363854.2, NM_001364319.2); c.3021G>T, p.Arg1007= (NM_001363852.2, NM_001364318.2, NM_001364320.2); c.2937G>T, p.Arg979= (NM_001369901.1, NM_001369902.1).
Identifiers: ClinVar variation 580999 (VCV000580999.38), dbSNP rs201690337, ClinGen allele CA10196848.

ClinVar aggregate classification (germline): Conflicting classifications of pathogenicity. Review status: criteria provided, conflicting classifications (1 of 4 stars). 5 submissions from 5 submitters: Uncertain significance (1); Likely benign (4). Last evaluated 2026-01-21.

Conditions:
DEPDC5-related disorder. Also called: DEPDC5-related related disorder; DEPDC5-related condition.
Inborn genetic diseases. Identifiers: MedGen C0950123, MeSH D030342.
Familial focal epilepsy with variable foci (FPEVF). Identifiers: Orphanet 98820, MedGen C1858477, MONDO:0020310.

Allele frequency attached by ClinVar (database versions not stated): gnomAD exomes 0.00021; ExAC 0.00022; gnomAD 0.00024; TOPMed 0.00027; ESP Exome Variant Server 0.00071.
gnomAD v4.1: 569 of 1,612,598 alleles (0.035%); highest among the groups gnomAD compares: Non-Finnish European, 0.044%; no homozygotes.

Submissions (6):

Labcorp Genetics (formerly Invitae), Labcorp
Classification: Uncertain significance for Familial focal epilepsy with variable foci. Last evaluated: 2026-01-21. Review status: criteria provided, single submitter. Criteria: Invitae Variant Classification Sherloc (09022015). Collection method: clinical testing. Allele origin: germline.
Comment: This sequence change affects codon 1007 of the DEPDC5 mRNA. It is a 'silent' change, meaning that it does not change the encoded amino acid sequence of the DEPDC5 protein. This variant also falls at the last nucleotide of exon 30, which is part of the consensus splice site for this exon. This variant is present in population databases (rs201690337, gnomAD 0.04%). This variant has not been reported in the literature in individuals affected with DEPDC5-related conditions. ClinVar contains an entry for this variant (Variation ID: 580999). Variants that disrupt the consensus splice site are a relatively common cause of aberrant splicing (PMID: 17576681, 9536098). Algorithms developed to predict the effect of sequence changes on RNA splicing suggest that this variant is not likely to affect RNA splicing. In summary, the available evidence is currently insufficient to determine the role of this variant in disease. Therefore, it has been classified as a Variant of Uncertain Significance.

CeGaT Center for Human Genetics Tuebingen
Classification: Likely benign. Last evaluated: 2025-06-01. Review status: criteria provided, single submitter. Criteria: CeGaT Center For Human Genetics Tuebingen Variant Classification Criteria Version 2. Collection method: clinical testing. Allele origin: germline. Affected: yes. Observed: 2 variant alleles.
Comment: DEPDC5: BP4, BP7

PreventionGenetics, part of Exact Sciences
Classification: Likely benign for DEPDC5-related condition. Last evaluated: 2025-05-02. Review status: criteria provided, single submitter. Criteria: ACMG Guidelines, 2015. Collection method: clinical testing. Allele origin: germline.
Comment: This variant is classified as likely benign based on ACMG/AMP sequence variant interpretation guidelines (Richards et al. 2015 PMID: 25741868, with internal and published modifications).

Blueprint Genetics
Classification: Likely benign. Last evaluated: 2024-11-05. Review status: criteria provided, single submitter. Criteria: ACMG Guidelines, 2015. Collection method: clinical testing. Allele origin: germline.

Ambry Genetics
Classification: Likely benign for Inborn genetic diseases. Last evaluated: 2022-02-28. Review status: criteria provided, single submitter. Criteria: Ambry Variant Classification Scheme 2023. Collection method: clinical testing. Allele origin: germline.

Dr. Peter K. Rogan Lab, Western University
No classification provided (evidence only). Condition: Acute myeloid leukemia. Review status: no classification provided. Collection method: in vitro. Allele origin: not applicable. Functional consequence: retained intron. Not counted in ClinVar's aggregate classification.

Literature cited by the submitters: PubMed 17576681 (cited by Labcorp Genetics (formerly Invitae), Labcorp); PubMed 9536098 (cited by Labcorp Genetics (formerly Invitae), Labcorp).